The following is an entry in ClinVar:

NM_001430.5(EPAS1):c.1402A>G (p.Thr468Ala)

Gene: EPAS1 (endothelial PAS domain protein 1; plus strand). Cytogenetic location: 2p21.
Variant type: single nucleotide variant.
Coding change: c.1402A>G on transcript NM_001430.5 (MANE Select); coding-DNA position 1402, A replaced by G.
Protein change: p.Thr468Ala; replaces threonine 468 with alanine.
Molecular consequence: missense variant.
Genome position (GRCh38, 1-based): chr2:46,378,046, A>G. VCF-style: chr2-46378046-A-G. GRCh37 (hg19) VCF-style: chr2-46605185-A-G.
Other names: short protein forms T468A.
Identifiers: ClinVar variation 2710941 (VCV002710941.3), dbSNP rs2103667660, ClinGen allele CA346704005.

ClinVar aggregate classification (germline): Uncertain significance (1 of 4 stars; one submission).

Submission:

Labcorp Genetics (formerly Invitae), Labcorp
Classification: Uncertain significance. Last evaluated: 2024-01-24. Review status: criteria provided, single submitter. Criteria: Invitae Variant Classification Sherloc (09022015). Collection method: clinical testing. Allele origin: germline.
Comment: This sequence change replaces threonine, which is neutral and polar, with alanine, which is neutral and non-polar, at codon 468 of the EPAS1 protein (p.Thr468Ala). This variant is not present in population databases (gnomAD no frequency). This variant has not been reported in the literature in individuals affected with EPAS1-related conditions. Algorithms developed to predict the effect of missense changes on protein structure and function output the following: SIFT: "Not Available"; PolyPhen-2: "Benign"; Align-GVGD: "Not Available". The alanine amino acid residue is found in multiple mammalian species, which suggests that this missense change does not adversely affect protein function. In summary, the available evidence is currently insufficient to determine the role of this variant in disease. Therefore, it has been classified as a Variant of Uncertain Significance.